The following is an entry in ClinVar:

ClinVar aggregate classification (germline): Conflicting classifications of pathogenicity. Review status: criteria provided, conflicting classifications (1 of 4 stars). 3 submissions from 3 submitters: Uncertain significance (2); Likely benign (1). Last evaluated 2025-07-09.

Conditions:
Norman-Roberts syndrome (LIS2). Also called: Lissencephaly 2 (Norman-Roberts type). Identifiers: Orphanet 89844, MedGen C0796089, MONDO:0009760, OMIM 257320.
Familial temporal lobe epilepsy 7. Identifiers: Orphanet 101046, MedGen C4225327, MONDO:0014639, OMIM 616436.

Allele frequency attached by ClinVar (database versions not stated): gnomAD exomes below 0.00001 and 0.00001; TOPMed 0.00001; ExAC 0.00002; gnomAD 0.00003 and 0.00004.
gnomAD v4.1: 7 of 1,614,114 alleles (0.00043%); highest among the groups gnomAD compares: African/African-American, 0.008%; no homozygotes.

Submissions (3):

Women's Health and Genetics/Laboratory Corporation of America, LabCorp
Classification: Uncertain significance. Last evaluated: 2025-07-09. Review status: criteria provided, single submitter. Criteria: LabCorp Variant Classification Summary - May 2015. Collection method: clinical testing. Allele origin: germline.
Comment: Variant summary: RELN c.8366T>C (p.Leu2789Pro) results in a non-conservative amino acid change in the encoded protein sequence. Algorithms developed to predict the effect of missense changes on protein structure and function are either unavailable or do not agree on the potential impact of this missense change. The variant allele was found at a frequency of 8e-06 in 251442 control chromosomes. The available data on variant occurrences in the general population are insufficient to allow any conclusion about variant significance. To our knowledge, no occurrence of c.8366T>C in individuals affected with Epilepsy Familial Temporal Lobe 7 and no experimental evidence demonstrating its impact on protein function have been reported. ClinVar contains an entry for this variant (Variation ID: 1009499). Based on the evidence outlined above, the variant was classified as uncertain significance.

Labcorp Genetics (formerly Invitae), Labcorp
Classification: Likely benign for Familial temporal lobe epilepsy 7; Norman-Roberts syndrome. Last evaluated: 2022-12-06. Review status: criteria provided, single submitter. Criteria: Invitae Variant Classification Sherloc (09022015). Collection method: clinical testing. Allele origin: germline.

GeneDx
Classification: Uncertain significance. Last evaluated: 2022-01-12. Review status: criteria provided, single submitter. Criteria: GeneDx Variant Classification Process June 2021. Collection method: clinical testing. Allele origin: germline. Affected: yes.
Comment: Not observed at significant frequency in large population cohorts (gnomAD); In silico analysis supports that this missense variant has a deleterious effect on protein structure/function; Has not been previously published as pathogenic or benign to our knowledge

NM_005045.4(RELN):c.8366T>C (p.Leu2789Pro)

Genes: SLC26A5-AS1 (SLC26A5 antisense RNA 1; plus strand), RELN (reelin; minus strand). Cytogenetic location: 7q22.1.
Variant type: single nucleotide variant.
Coding change: c.8366T>C on transcript NM_005045.4 (MANE Select); coding-DNA position 8366, T replaced by C.
Protein change: p.Leu2789Pro; replaces leucine 2789 with proline.
Molecular consequence: missense variant.
Genome position (GRCh38, 1-based): chr7:103,503,139, A>G on the plus strand (T>C on the coding strand, the complement: RELN is on the minus strand). VCF-style: chr7-103503139-A-G. GRCh37 (hg19) VCF-style: chr7-103143586-A-G.
Other names: c.8366T>C, p.Leu2789Pro (NM_173054.3); short protein forms L2789P.
Identifiers: ClinVar variation 1009499 (VCV001009499.11), dbSNP rs752208462, ClinGen allele CA4420489.